The following is an entry in ClinVar:

ClinVar aggregate classification (germline): Uncertain significance (1 of 4 stars; one submission).

Conditions:
Primary ciliary dyskinesia. Also called: Ciliary dyskinesia. Identifiers: Orphanet 244, MedGen C0008780, MONDO:0016575, HP:0012265.

Submission:

Labcorp Genetics (formerly Invitae), Labcorp
Classification: Uncertain significance for Primary ciliary dyskinesia. Last evaluated: 2022-09-06. Review status: criteria provided, single submitter. Criteria: Invitae Variant Classification Sherloc (09022015). Collection method: clinical testing. Allele origin: germline.
Comment: This sequence change replaces arginine, which is basic and polar, with leucine, which is neutral and non-polar, at codon 288 of the DNAAF3 protein (p.Arg288Leu). This variant is present in population databases (no rsID available, gnomAD 1.1%). This variant has not been reported in the literature in individuals affected with DNAAF3-related conditions. ClinVar contains an entry for this variant (Variation ID: 967080). Algorithms developed to predict the effect of missense changes on protein structure and function are either unavailable or do not agree on the potential impact of this missense change (SIFT: "Not Available"; PolyPhen-2: "Benign"; Align-GVGD: "Not Available"). In summary, the available evidence is currently insufficient to determine the role of this variant in disease. Therefore, it has been classified as a Variant of Uncertain Significance.

NM_001256715.2(DNAAF3):c.659_660delinsTT (p.Arg220Leu)

Genes: DNAAF3 (dynein axonemal assembly factor 3; minus strand), DNAAF3-AS1 (DNAAF3 antisense RNA 1; plus strand). Cytogenetic location: 19q13.42.
Variant type: Indel.
Coding change: c.659_660delinsTT on transcript NM_001256715.2 (MANE Select); coding-DNA positions 659 to 660, GC replaced by TT.
Protein change: p.Arg220Leu; replaces arginine 220 with leucine.
Molecular consequence: missense variant.
Genome position (GRCh38, 1-based): chr19:55,161,646-55,161,647, GC replaced by AA on the plus strand (GC replaced by TT on the coding strand, the reverse complement: DNAAF3 is on the minus strand). VCF-style: chr19-55161646-GC-AA. GRCh37 (hg19) VCF-style: chr19-55673014-GC-AA.
Other names: c.497_498delinsTT, p.Arg166Leu (NM_001256716.2); c.800_801delinsTT, p.Arg267Leu (NM_178837.4); c.863_864delinsTT, p.Arg288Leu (NM_001256714.1); short protein forms R220L, R166L, R267L, R288L.
Identifiers: ClinVar variation 967080 (VCV000967080.7), dbSNP rs2085835582, ClinGen allele CA1139666605.